The following is an entry in ClinVar:

NM_001330700.2(TOP2B):c.639+6C>T

Gene: TOP2B (DNA topoisomerase II beta; minus strand). Cytogenetic location: 3p24.2.
Variant type: single nucleotide variant.
Coding change: c.639+6C>T on transcript NM_001330700.2 (MANE Select); 6 bases into the intron after coding-DNA position 639, C replaced by T.
Molecular consequence: intron variant.
Genome position (GRCh38, 1-based): chr3:25,637,209, G>A on the plus strand (C>T on the coding strand, the complement: TOP2B is on the minus strand). VCF-style: chr3-25637209-G-A. GRCh37 (hg19) VCF-style: chr3-25678700-G-A.
Other names: c.624+6C>T (NM_001068.3).
Identifiers: ClinVar variation 1473384 (VCV001473384.6), dbSNP rs778587647, ClinGen allele CA2573136401.
Genomic context (GRCh38, chr3:25,637,209, plus strand): 5'-TCTACTATCTCGGCAAGATAATAAAACGTTATTTTAAAAAAAGAAATAGATGTGTTTCTA[G>A]CATACCTGCTTAAAACTGTGTTTGTATTCTTTGCAAGCTGTTTCTACTGTAAACTTTGTA-3'

ClinVar aggregate classification (germline): Uncertain significance (1 of 4 stars; one submission).

Allele frequency attached by ClinVar (database versions not stated): gnomAD exomes below 0.00001.

Submission:

Labcorp Genetics (formerly Invitae), Labcorp
Classification: Uncertain significance. Last evaluated: 2023-12-11. Review status: criteria provided, single submitter. Criteria: Invitae Variant Classification Sherloc (09022015). Collection method: clinical testing. Allele origin: germline.
Comment: This sequence change falls in intron 6 of the TOP2B gene. It does not directly change the encoded amino acid sequence of the TOP2B protein. It affects a nucleotide within the consensus splice site. This variant is not present in population databases (gnomAD no frequency). This variant has not been reported in the literature in individuals affected with TOP2B-related conditions. ClinVar contains an entry for this variant (Variation ID: 1473384). Variants that disrupt the consensus splice site are a relatively common cause of aberrant splicing (PMID: 17576681, 9536098). Algorithms developed to predict the effect of sequence changes on RNA splicing suggest that this variant is not likely to affect RNA splicing. In summary, the available evidence is currently insufficient to determine the role of this variant in disease. Therefore, it has been classified as a Variant of Uncertain Significance.

Literature cited by the submitters: PubMed 17576681; PubMed 9536098.